The following is an entry in ClinVar:

ClinVar aggregate classification (germline): Likely pathogenic (1 of 4 stars; one submission).

Conditions:
TRPM1-related disorder. Also called: TRPM1-related condition.

gnomAD v4.1: 2 of 1,612,820 alleles (0.00012%); highest among the groups gnomAD compares: Non-Finnish European, 0.00017%; no homozygotes.

Submission:

PreventionGenetics, part of Exact Sciences
Classification: Likely pathogenic for TRPM1-related condition. Last evaluated: 2025-02-05. Review status: criteria provided, single submitter. Criteria: ACMG Guidelines, 2015. Collection method: clinical testing. Allele origin: germline.
Comment: The TRPM1 c.1674G>A variant is not predicted to result in an amino acid change (p.=). This variant affects the last nucleotide exon 13 and is predicted to decrease the strength of the canonical splice donor site (SpliceAI, Jaganathan et al. 2019. PubMed ID: 30661751). To our knowledge, this variant has not been reported in the literature. This variant is present in 0.00088% of alleles in individuals of European (Non-Finnish) descent in gnomAD. Given the evidence, we interpret this variant as likely pathogenic.

NM_001252024.2(TRPM1):c.1623G>A (p.Lys541=)

Gene: TRPM1 (transient receptor potential cation channel subfamily M member 1; minus strand). Cytogenetic location: 15q13.3.
Variant type: single nucleotide variant.
Coding change: c.1623G>A on transcript NM_001252024.2 (MANE Select); coding-DNA position 1623, G replaced by A.
Protein change: p.Lys541=; no amino-acid change (lysine 541 retained).
Molecular consequence: synonymous variant.
Genome position (GRCh38, 1-based): chr15:31,047,889, C>T on the plus strand (G>A on the coding strand, the complement: TRPM1 is on the minus strand). VCF-style: chr15-31047889-C-T. GRCh37 (hg19) VCF-style: chr15-31340092-C-T.
Other names: c.1674G>A, p.Lys558= (NM_001252020.2); c.1557G>A, p.Lys519= (NM_002420.6).
Identifiers: ClinVar variation 5002307 (VCV005002307.1).